The following is an entry in ClinVar:

ClinVar aggregate classification (germline): Uncertain significance (1 of 4 stars; one submission).

Conditions:
Hereditary cancer-predisposing syndrome. Also called: Hereditary neoplastic syndrome; Neoplastic Syndromes, Hereditary; Tumor predisposition; Hereditary Cancer Syndrome. Identifiers: Orphanet 140162, MedGen C0027672, MeSH D009386, MONDO:0015356.

Submission:

Ambry Genetics
Classification: Uncertain significance for Hereditary cancer-predisposing syndrome. Last evaluated: 2024-12-12. Review status: criteria provided, single submitter. Criteria: Ambry Variant Classification Scheme 2023. Collection method: clinical testing. Allele origin: germline.
Comment: The p.R494* variant (also known as c.1480A>T), located in coding exon 12 of the EGFR gene, results from an A to T substitution at nucleotide position 1480. This changes the amino acid from an arginine to a stop codon within coding exon 12. This alteration is expected to result in loss of function by premature protein truncation or nonsense-mediated mRNA decay. Loss-of-function variants subject to nonsense mediated decay (NMD) in EGFR are known to cause EGFR-related neonatal inflammatory skin and bowel disease; however, such associations with EGFR-related lung cancer have not been reported. Based on the supporting evidence, this alteration is likely pathogenic for EGFR-related neonatal inflammatory skin and bowel disease; however, the association of this alteration with EGFR-related lung cancer is unknown.

NM_005228.5(EGFR):c.1480A>T (p.Arg494Ter)

Gene: EGFR (epidermal growth factor receptor; plus strand). Cytogenetic location: 7p11.2.
Variant type: single nucleotide variant.
Coding change: c.1480A>T on transcript NM_005228.5 (MANE Select); coding-DNA position 1480, A replaced by T.
Protein change: p.Arg494Ter; replaces arginine 494 with a stop codon.
Molecular consequence: nonsense.
Genome position (GRCh38, 1-based): chr7:55,160,320, A>T. VCF-style: chr7-55160320-A-T. GRCh37 (hg19) VCF-style: chr7-55228013-A-T.
Other names: c.1345A>T, p.Arg449Ter (NM_001346897.2, NM_001346899.2); c.1480A>T, p.Arg494Ter (NM_001346898.2, NM_201282.2, NM_201284.2); c.679A>T, p.Arg227Ter (NM_001346941.2); c.1321A>T, p.Arg441Ter (NM_001346900.2); short protein forms R227*, R494*, R441*, R449*.
Identifiers: ClinVar variation 3843744 (VCV003843744.1).